The following is an entry in ClinVar:

ClinVar aggregate classification (germline): Uncertain significance (1 of 4 stars; one submission).

Submission:

Labcorp Genetics (formerly Invitae), Labcorp
Classification: Uncertain significance. Last evaluated: 2022-03-15. Review status: criteria provided, single submitter. Criteria: Invitae Variant Classification Sherloc (09022015). Collection method: clinical testing. Allele origin: germline.
Comment: This variant has not been reported in the literature in individuals affected with RASGRP1-related conditions. Algorithms developed to predict the effect of missense changes on protein structure and function (SIFT, PolyPhen-2, Align-GVGD) all suggest that this variant is likely to be tolerated. In summary, the available evidence is currently insufficient to determine the role of this variant in disease. Therefore, it has been classified as a Variant of Uncertain Significance. This sequence change replaces proline, which is neutral and non-polar, with arginine, which is basic and polar, at codon 119 of the RASGRP1 protein (p.Pro119Arg). This variant is not present in population databases (gnomAD no frequency).

NM_005739.4(RASGRP1):c.356C>G (p.Pro119Arg)

Gene: RASGRP1 (RAS guanyl releasing protein 1; minus strand). Cytogenetic location: 15q14.
Variant type: single nucleotide variant.
Coding change: c.356C>G on transcript NM_005739.4 (MANE Select); coding-DNA position 356, C replaced by G.
Protein change: p.Pro119Arg; replaces proline 119 with arginine.
Molecular consequence: missense variant.
Genome position (GRCh38, 1-based): chr15:38,519,342, G>C on the plus strand (C>G on the coding strand, the complement: RASGRP1 is on the minus strand). VCF-style: chr15-38519342-G-C. GRCh37 (hg19) VCF-style: chr15-38811543-G-C.
Other names: c.356C>G, p.Pro119Arg (NM_001128602.2, NM_001306086.2); short protein forms P119R.
Identifiers: ClinVar variation 2112421 (VCV002112421.4), dbSNP rs2542922002, ClinGen allele CA391656225.